The following is an entry in ClinVar:

ClinVar aggregate classification (germline): Uncertain significance (1 of 4 stars; one submission).

Submission:

Ambry Genetics
Classification: Uncertain significance. Last evaluated: 2024-09-01. Review status: criteria provided, single submitter. Criteria: Ambry Variant Classification Scheme 2023. Collection method: clinical testing. Allele origin: germline.
Comment: The p.P863L variant (also known as c.2588C>T), located in coding exon 24 of the KIF1B gene, results from a C to T substitution at nucleotide position 2588. The proline at codon 863 is replaced by leucine, an amino acid with similar properties. This amino acid position is conserved. In addition, this alteration is predicted to be deleterious by in silico analysis. Based on the available evidence, the clinical significance of this variant remains unclear.

NM_001365951.3(KIF1B):c.2726C>T (p.Pro909Leu)

Genes: KIF1B (kinesin family member 1B; plus strand), LOC126805614 (BRD4-independent group 4 enhancer GRCh37_chr1:10385546-10386745; plus strand). Cytogenetic location: 1p36.22.
Variant type: single nucleotide variant.
Coding change: c.2726C>T on transcript NM_001365951.3 (MANE Select); coding-DNA position 2726, C replaced by T.
Protein change: p.Pro909Leu; replaces proline 909 with leucine.
Molecular consequence: missense variant.
Genome position (GRCh38, 1-based): chr1:10,326,161, C>T. VCF-style: chr1-10326161-C-T. GRCh37 (hg19) VCF-style: chr1-10386219-C-T.
Other names: c.2726C>T, p.Pro909Leu (NM_001365952.1); c.2588C>T, p.Pro863Leu (NM_015074.3); short protein forms P863L, P909L.
Identifiers: ClinVar variation 3534000 (VCV003534000.1).